The following is an entry in ClinVar:

ClinVar aggregate classification (germline): Likely pathogenic (1 of 4 stars; one submission).

Conditions:
Renal carnitine transport defect (CDSP). Also called: Primary carnitine deficiency; Systemic primary carnitine deficiency; CARNITINE DEFICIENCY, SYSTEMIC, DUE TO DEFECT IN RENAL REABSORPTION OF CARNITINE; CARNITINE TRANSPORTER, PLASMA-MEMBRANE, DEFICIENCY OF; CARNITINE UPTAKE DEFECT; Carnitine transporter deficiency. Identifiers: Orphanet 158, MedGen C0342788, MONDO:0008919, OMIM 212140.

Submission:

Labcorp Genetics (formerly Invitae), Labcorp
Classification: Likely pathogenic for Renal carnitine transport defect. Last evaluated: 2023-11-10. Review status: criteria provided, single submitter. Criteria: Invitae Variant Classification Sherloc (09022015). Collection method: clinical testing. Allele origin: germline.
Comment: This sequence change replaces serine, which is neutral and polar, with arginine, which is basic and polar, at codon 28 of the SLC22A5 protein (p.Ser28Arg). This variant is not present in population databases (gnomAD no frequency). This variant has not been reported in the literature in individuals affected with SLC22A5-related conditions. ClinVar contains an entry for this variant (Variation ID: 1472873). Advanced modeling of protein sequence and biophysical properties (such as structural, functional, and spatial information, amino acid conservation, physicochemical variation, residue mobility, and thermodynamic stability) performed at Invitae indicates that this missense variant is expected to disrupt SLC22A5 protein function with a positive predictive value of 95%. This variant disrupts the p.Ser28 amino acid residue in SLC22A5. Other variant(s) that disrupt this residue have been determined to be pathogenic (PMID: 12408185, 23379544, 28841266). This suggests that this residue is clinically significant, and that variants that disrupt this residue are likely to be disease-causing. In summary, the currently available evidence indicates that the variant is pathogenic, but additional data are needed to prove that conclusively. Therefore, this variant has been classified as Likely Pathogenic.

Literature cited by the submitters: PubMed 12408185; PubMed 23379544; PubMed 28841266.

NM_003060.4(SLC22A5):c.84C>A (p.Ser28Arg)

Gene: SLC22A5 (solute carrier family 22 member 5; plus strand). Cytogenetic location: 5q31.1.
Variant type: single nucleotide variant.
Coding change: c.84C>A on transcript NM_003060.4 (MANE Select); coding-DNA position 84, C replaced by A.
Protein change: p.Ser28Arg; replaces serine 28 with arginine.
Molecular consequence: missense variant.
Genome position (GRCh38, 1-based): chr5:132,370,056, C>A. VCF-style: chr5-132370056-C-A. GRCh37 (hg19) VCF-style: chr5-131705748-C-A.
Other names: c.84C>A, p.Ser28Arg (NM_001308122.2); short protein forms S28R.
Identifiers: ClinVar variation 1472873 (VCV001472873.6), dbSNP rs773693788, ClinGen allele CA360802349.